The following is an entry in ClinVar:

ClinVar aggregate classification (germline): Uncertain significance (1 of 4 stars; one submission).

Submission:

Labcorp Genetics (formerly Invitae), Labcorp
Classification: Uncertain significance. Last evaluated: 2021-02-12. Review status: criteria provided, single submitter. Criteria: Invitae Variant Classification Sherloc (09022015). Collection method: clinical testing. Allele origin: germline.
Comment: This variant is not present in population databases (ExAC no frequency). This sequence change replaces leucine with isoleucine at codon 97 of the FRMD7 protein (p.Leu97Ile). The leucine residue is highly conserved and there is a small physicochemical difference between leucine and isoleucine. This variant has not been reported in the literature in individuals with FRMD7-related conditions. Algorithms developed to predict the effect of missense changes on protein structure and function are either unavailable or do not agree on the potential impact of this missense change (SIFT: "Deleterious"; PolyPhen-2: "Probably Damaging"; Align-GVGD: "Class C0"). In summary, the available evidence is currently insufficient to determine the role of this variant in disease. Therefore, it has been classified as a Variant of Uncertain Significance.

NM_194277.3(FRMD7):c.289C>A (p.Leu97Ile)

Gene: FRMD7 (FERM domain containing 7; minus strand). Cytogenetic location: Xq26.2.
Variant type: single nucleotide variant.
Coding change: c.289C>A on transcript NM_194277.3 (MANE Select); coding-DNA position 289, C replaced by A.
Protein change: p.Leu97Ile; replaces leucine 97 with isoleucine.
Molecular consequence: missense variant.
Genome position (GRCh38, 1-based): chrX:132,094,135, G>T on the plus strand (C>A on the coding strand, the complement: FRMD7 is on the minus strand). VCF-style: chrX-132094135-G-T. GRCh37 (hg19) VCF-style: chrX-131228163-G-T.
Other names: c.244C>A, p.Leu82Ile (NM_001306193.2); short protein forms L97I, L82I.
Identifiers: ClinVar variation 1484992 (VCV001484992.8), dbSNP rs1476013799, ClinGen allele CA414681759.